The following is an entry in ClinVar:

NM_153209.4(KIF19):c.1813A>G (p.Ser605Gly)

Gene: KIF19 (kinesin family member 19; plus strand). Cytogenetic location: 17q25.1.
Variant type: single nucleotide variant.
Coding change: c.1813A>G on transcript NM_153209.4 (MANE Select); coding-DNA position 1813, A replaced by G.
Protein change: p.Ser605Gly; replaces serine 605 with glycine.
Molecular consequence: missense variant.
Genome position (GRCh38, 1-based): chr17:74,352,092, A>G. VCF-style: chr17-74352092-A-G. GRCh37 (hg19) VCF-style: chr17-72348231-A-G.
Other names: short protein forms S605G.
Identifiers: ClinVar variation 5038745 (VCV005038745.1).

ClinVar aggregate classification (germline): Likely benign (1 of 4 stars; one submission).

gnomAD v4.1: 503 of 1,590,258 alleles (0.032%); highest among the groups gnomAD compares: East Asian, 0.85%; 6 homozygotes.

Submission:

CeGaT Center for Human Genetics Tuebingen
Classification: Likely benign. Last evaluated: 2026-07-01. Review status: criteria provided, single submitter. Criteria: CeGaT Center For Human Genetics Tuebingen Variant Classification Criteria Version 2. Collection method: clinical testing. Allele origin: germline. Affected: yes. Observed: 1 variant allele.
Comment: KIF19: BS1